The following is an entry in ClinVar:

NM_001048174.2(MUTYH):c.391C>G (p.Leu131Val)

Gene: MUTYH (mutY DNA glycosylase; minus strand). Cytogenetic location: 1p34.1.
Variant type: single nucleotide variant.
Coding change: c.391C>G on transcript NM_001048174.2 (MANE Select); coding-DNA position 391, C replaced by G.
Protein change: p.Leu131Val; replaces leucine 131 with valine.
Molecular consequence: missense variant. On other transcripts: intron variant (4), non-coding transcript variant (6).
Genome position (GRCh38, 1-based): chr1:45,332,947, G>C on the plus strand (C>G on the coding strand, the complement: MUTYH is on the minus strand). VCF-style: chr1-45332947-G-C. GRCh37 (hg19) VCF-style: chr1-45798619-G-C.
Other names: c.421-113C>G (NM_001407073.1); c.454-113C>G (NM_001407069.1); c.382-113C>G (NM_001407079.1); c.379-113C>G (NM_001407080.1); c.391C>G, p.Leu131Val (NM_001048171.2, NM_001048173.2, NM_001407072.1 and 5 more transcripts); c.394C>G, p.Leu132Val (NM_001048172.2, NM_001407071.1, NM_001407078.1 and 1 more transcripts); c.307C>G, p.Leu103Val (NM_001407075.1); c.424C>G, p.Leu142Val (NM_001407077.1, NM_001293191.2); and 7 more; short protein forms L16V, L39V, L131V, L138V, L142V, L145V, L146V, L103V.
Identifiers: ClinVar variation 4112869 (VCV004112869.1).
Genomic context (GRCh38, chr1:45,332,947, plus strand): 5'-CCTATTTCCCCTACCCTAGGGTGGCTCTCACCTCCAGGGAAGCACTGGCCAGGTCCTGCA[G>C]TGTAGGCCACTTCTATAGCCACAGGCAGGCAGAAAGAGACAAGGTCAAGGGTGAAGGTGG-3'
Protein context (NP_001041639.1, residues 121-141): YTGWMQKWPT[Leu131Val]QDLASASLEE

ClinVar aggregate classification (germline): Uncertain significance (1 of 4 stars; one submission).

Conditions:
Hereditary cancer-predisposing syndrome. Also called: Tumor predisposition; Neoplastic Syndromes, Hereditary; Hereditary neoplastic syndrome; Hereditary Cancer Syndrome. Identifiers: Orphanet 140162, MedGen C0027672, MeSH D009386, MONDO:0015356.

Submission:

Ambry Genetics
Classification: Uncertain significance for Hereditary cancer-predisposing syndrome. Last evaluated: 2025-08-27. Review status: criteria provided, single submitter. Criteria: Ambry Variant Classification Scheme 2023. Collection method: clinical testing. Allele origin: germline.
Comment: The p.L159V variant (also known as c.475C>G), located in coding exon 6 of the MUTYH gene, results from a C to G substitution at nucleotide position 475. The leucine at codon 159 is replaced by valine, an amino acid with highly similar properties. This amino acid position is conserved. In addition, this alteration is predicted to be tolerated by in silico analysis. Based on the available evidence, the clinical significance of this variant remains unclear.